The following is an entry in ClinVar:

NM_000138.5(FBN1):c.1178T>C (p.Met393Thr)

Gene: FBN1 (fibrillin 1; minus strand). Cytogenetic location: 15q21.1.
Variant type: single nucleotide variant.
Coding change: c.1178T>C on transcript NM_000138.5 (MANE Select); coding-DNA position 1178, T replaced by C.
Protein change: p.Met393Thr; replaces methionine 393 with threonine.
Molecular consequence: missense variant.
Genome position (GRCh38, 1-based): chr15:48,516,332, A>G on the plus strand (T>C on the coding strand, the complement: FBN1 is on the minus strand). VCF-style: chr15-48516332-A-G. GRCh37 (hg19) VCF-style: chr15-48808529-A-G.
Other names: c.1178T>C, p.Met393Thr (NM_001406716.1); short protein forms M393T.
Identifiers: ClinVar variation 2196667 (VCV002196667.5), dbSNP rs2043801666, ClinGen allele CA392345683.
Genomic context (GRCh38, chr15:48,516,332, plus strand): 5'-AGAACTGGAGGAATGGGGCCAAGGGGTGGGGGAGGATATTCTGGTCTCCCAGGAATTACC[A>G]TAGGAACAGAGCACAGCTTGTTGAAATCCTCTAGAAAAACACAACAAAACAAAACACAAC-3'
Protein context (NP_000129.3, residues 383-403): EDFNKLCSVP[Met393Thr]VIPGRPEYPP

ClinVar aggregate classification (germline): Uncertain significance. Review status: criteria provided, multiple submitters, no conflicts (2 of 4 stars). 2 submissions from 2 submitters: Uncertain significance (2). Last evaluated 2025-12-31.

Conditions:
Marfan syndrome (MFS). Also called: MARFAN SYNDROME, TYPE I; Marfan syndrome type 1; Marfan's syndrome; Marfan syndrome, classic; FBN1-Related Marfan Syndrome. Identifiers: Orphanet 284963, Orphanet 558, MedGen C0024796, MONDO:0007947, OMIM 154700.
Familial thoracic aortic aneurysm and aortic dissection (TAAD). Also called: Thoracic aortic aneurysms and dissections. Identifiers: Orphanet 91387, MedGen C4707243, MONDO:0019625.

Allele frequency attached by ClinVar (database versions not stated): gnomAD exomes below 0.00001; TOPMed below 0.00001.
gnomAD v4.1: 2 of 1,613,900 alleles (0.00012%); highest among the groups gnomAD compares: Middle Eastern, 0.017%; no homozygotes.

Submissions (2):

Ambry Genetics
Classification: Uncertain significance for Familial thoracic aortic aneurysm and aortic dissection. Last evaluated: 2025-12-31. Review status: criteria provided, single submitter. Criteria: Ambry Variant Classification Scheme 2023. Collection method: clinical testing. Allele origin: germline.

Labcorp Genetics (formerly Invitae), Labcorp
Classification: Uncertain significance for Marfan syndrome; Familial thoracic aortic aneurysm and aortic dissection. Last evaluated: 2022-03-19. Review status: criteria provided, single submitter. Criteria: Invitae Variant Classification Sherloc (09022015). Collection method: clinical testing. Allele origin: germline.
Comment: In summary, the available evidence is currently insufficient to determine the role of this variant in disease. Therefore, it has been classified as a Variant of Uncertain Significance. This sequence change replaces methionine, which is neutral and non-polar, with threonine, which is neutral and polar, at codon 393 of the FBN1 protein (p.Met393Thr). This variant is not present in population databases (gnomAD no frequency). This variant has not been reported in the literature in individuals affected with FBN1-related conditions. Advanced modeling of protein sequence and biophysical properties (such as structural, functional, and spatial information, amino acid conservation, physicochemical variation, residue mobility, and thermodynamic stability) performed at Invitae indicates that this missense variant is not expected to disrupt FBN1 protein function.